The following is an entry in ClinVar:

ClinVar aggregate classification (germline): Uncertain significance. Review status: criteria provided, multiple submitters, no conflicts (2 of 4 stars). 2 submissions from 2 submitters: Uncertain significance (2). Last evaluated 2025-09-14.

Conditions:
Familial focal epilepsy with variable foci (FPEVF). Identifiers: Orphanet 98820, MedGen C1858477, MONDO:0020310.

Allele frequency attached by ClinVar (database versions not stated): gnomAD 0.00003 and 0.00004; gnomAD exomes 0.00003; TOPMed 0.00003.
gnomAD v4.1: 49 of 1,551,288 alleles (0.0032%); highest among the groups gnomAD compares: Non-Finnish European, 0.003%; no homozygotes.

Submissions (2):

Labcorp Genetics (formerly Invitae), Labcorp
Classification: Uncertain significance for Familial focal epilepsy with variable foci. Last evaluated: 2025-09-14. Review status: criteria provided, single submitter. Criteria: Invitae Variant Classification Sherloc (09022015). Collection method: clinical testing. Allele origin: germline.
Comment: This sequence change replaces arginine, which is basic and polar, with histidine, which is basic and polar, at codon 1101 of the DEPDC5 protein (p.Arg1101His). This variant is present in population databases (no rsID available, gnomAD 0.01%). This variant has not been reported in the literature in individuals affected with DEPDC5-related conditions. ClinVar contains an entry for this variant (Variation ID: 959209). Experimental studies and prediction algorithms are not available or were not evaluated, and the functional significance of this variant is currently unknown. In summary, the available evidence is currently insufficient to determine the role of this variant in disease. Therefore, it has been classified as a Variant of Uncertain Significance.

Blueprint Genetics
Classification: Uncertain significance. Last evaluated: 2023-10-05. Review status: criteria provided, single submitter. Criteria: ACMG Guidelines, 2015. Collection method: clinical testing. Allele origin: germline.

NM_001242896.3(DEPDC5):c.3302G>A (p.Arg1101His)

Gene: DEPDC5 (DEP domain containing 5, GATOR1 subcomplex subunit; plus strand). Cytogenetic location: 22q12.3.
Variant type: single nucleotide variant.
Coding change: c.3302G>A on transcript NM_001242896.3 (MANE Select); coding-DNA position 3302, G replaced by A.
Protein change: p.Arg1101His; replaces arginine 1101 with histidine.
Molecular consequence: missense variant. On other transcripts: non-coding transcript variant (2), intron variant (5).
Genome position (GRCh38, 1-based): chr22:31,861,405, G>A. VCF-style: chr22-31861405-G-A. GRCh37 (hg19) VCF-style: chr22-32257391-G-A.
Other names: c.3275G>A, p.Arg1092His (NM_001136029.4); c.3068G>A, p.Arg1023His (NM_001363854.2, NM_001364319.2); c.3302G>A, p.Arg1101His (NM_001364318.2); c.3218G>A, p.Arg1073His (NM_001369901.1, NM_001369902.1); c.3237+3852G>A (NM_014662.6, NM_001369903.1); c.3264+3852G>A (NM_001363852.2, NM_001364320.2); c.3030+3852G>A (NM_001242897.2); short protein forms R1101H, R1023H, R1073H, R1092H.
Identifiers: ClinVar variation 959209 (VCV000959209.11), dbSNP rs971993042, ClinGen allele CA323356216.